The following is an entry in ClinVar:

ClinVar aggregate classification (germline): Conflicting classifications of pathogenicity. Review status: criteria provided, conflicting classifications (1 of 4 stars). 6 submissions from 6 submitters: Uncertain significance (3); Benign (1); Likely benign (1). 1 of the submissions does not count toward it. Last evaluated 2025-12-30.

Conditions:
Inborn genetic diseases. Identifiers: MedGen C0950123, MeSH D030342.
WIPF1-related disorder. Also called: WIPF1-related condition.
Wiskott-Aldrich syndrome 2 (WAS2). Also called: WIPF1 DEFICIENCY. Identifiers: Orphanet 906, MedGen C3281001, MONDO:0013779, OMIM 614493.

Allele frequency attached by ClinVar (database versions not stated): ESP Exome Variant Server 0.00008; 1000 Genomes Project 0.00040; ExAC 0.00042; gnomAD 0.00049 and 0.00051; gnomAD exomes 0.00052; TOPMed 0.00057; 1000 Genomes Project 30x 0.00062.

Submissions (6):

Labcorp Genetics (formerly Invitae), Labcorp
Classification: Benign for Wiskott-Aldrich syndrome 2. Last evaluated: 2025-12-30. Review status: criteria provided, single submitter. Criteria: Invitae Variant Classification Sherloc (09022015). Collection method: clinical testing. Allele origin: germline.

Blueprint Genetics
Classification: Uncertain significance. Last evaluated: 2024-10-31. Review status: criteria provided, single submitter. Criteria: ACMG Guidelines, 2015. Collection method: clinical testing. Allele origin: germline.

Ambry Genetics
Classification: Uncertain significance for Inborn genetic diseases. Last evaluated: 2024-01-09. Review status: criteria provided, single submitter. Criteria: Ambry Variant Classification Scheme 2023. Collection method: clinical testing. Allele origin: germline.

GeneDx
Classification: Uncertain significance. Last evaluated: 2024-01-04. Review status: criteria provided, single submitter. Criteria: GeneDx Variant Classification Process June 2021. Collection method: clinical testing. Allele origin: germline. Affected: yes.
Comment: In silico analysis supports that this missense variant does not alter protein structure/function; Has not been previously published as pathogenic or benign to our knowledge

Genomic Diagnostic Laboratory, Division of Genomic Diagnostics, Children's Hospital of Philadelphia
Classification: Likely benign. Last evaluated: 2015-11-20. Review status: criteria provided, single submitter. Criteria: DGD Variant Analysis Guidelines. Collection method: clinical testing. Allele origin: unknown.

PreventionGenetics, part of Exact Sciences
Classification: Likely benign for WIPF1-related condition. Last evaluated: 2024-09-09. Review status: no assertion criteria provided. Collection method: clinical testing. Allele origin: germline. Not counted in ClinVar's aggregate classification.
Comment: This variant is classified as likely benign based on ACMG/AMP sequence variant interpretation guidelines (Richards et al. 2015 PMID: 25741868, with internal and published modifications).

NM_001375834.1(WIPF1):c.208G>A (p.Gly70Ser)

Genes: WIPF1-AS1 (WIPF1 and CHRNA1 antisense RNA 1; plus strand), WIPF1 (WAS/WASL interacting protein family member 1; minus strand). Cytogenetic location: 2q31.1.
Variant type: single nucleotide variant.
Coding change: c.208G>A on transcript NM_001375834.1 (MANE Select); coding-DNA position 208, G replaced by A.
Protein change: p.Gly70Ser; replaces glycine 70 with serine.
Molecular consequence: missense variant. On other transcripts: intron variant (1).
Genome position (GRCh38, 1-based): chr2:174,575,354, C>T on the plus strand (G>A on the coding strand, the complement: WIPF1 is on the minus strand). VCF-style: chr2-174575354-C-T. GRCh37 (hg19) VCF-style: chr2-175440082-C-T.
Other names: c.208G>A, p.Gly70Ser (NM_001077269.1, NM_001375832.1, NM_001375833.1 and 5 more transcripts); c.182-3109G>A (NM_001375839.1); short protein forms G70S.
Identifiers: ClinVar variation 252518 (VCV000252518.17), dbSNP rs138276021, ClinGen allele CA1974200.
Genomic context (GRCh38, chr2:174,575,354, plus strand): 5'-CACCGCCTCCGCCACCACCTCCTCCGCCAAATCCGCCGCCTCCACCAAAGCCACCACCAC[C>T]GCCTCCAGCACCAGCTCCTTTAGGTTCTGTAGAAGAAGAGACACCCGACAGACTATGCCC-3'
Protein context (NP_001362763.1, residues 60-80): DKPKGAGAGG[Gly70Ser]GGGFGGGGGF